The following is an entry in ClinVar:

ClinVar aggregate classification (germline): Likely benign. Review status: criteria provided, multiple submitters, no conflicts (2 of 4 stars). 2 submissions from 2 submitters: Likely benign (2). Last evaluated 2025-05-12.

Conditions:
Cohen syndrome (COH1). Also called: Cutis verticis gyrata, retinitis pigmentosa, and sensorineural deafness; PEPPER SYNDROME. Identifiers: Orphanet 193, MedGen C0265223, MONDO:0008999, OMIM 216550.
VPS13B-related disorder. Also called: VPS13B-related condition.

Allele frequency attached by ClinVar (database versions not stated): TOPMed 0.00006; ESP Exome Variant Server 0.00008; gnomAD exomes below 0.00001 and 0.00002; gnomAD 0.00002 and 0.00003; ExAC 0.00003.
gnomAD v4.1: 11 of 1,613,974 alleles (0.00068%); highest among the groups gnomAD compares: African/African-American, 0.012%; no homozygotes.

Submissions (2):

Labcorp Genetics (formerly Invitae), Labcorp
Classification: Likely benign for Cohen syndrome. Last evaluated: 2025-05-12. Review status: criteria provided, single submitter. Criteria: Invitae Variant Classification Sherloc (09022015). Collection method: clinical testing. Allele origin: germline.

PreventionGenetics, part of Exact Sciences
Classification: Likely benign for VPS13B-related condition. Last evaluated: 2025-03-19. Review status: criteria provided, single submitter. Criteria: ACMG Guidelines, 2015. Collection method: clinical testing. Allele origin: germline.
Comment: This variant is classified as likely benign based on ACMG/AMP sequence variant interpretation guidelines (Richards et al. 2015 PMID: 25741868, with internal and published modifications).

NM_152564.5(VPS13B):c.5295T>C (p.Gly1765=)

Gene: VPS13B (vacuolar protein sorting 13 homolog B; plus strand). Cytogenetic location: 8q22.2.
Variant type: single nucleotide variant.
Coding change: c.5295T>C on transcript NM_152564.5 (MANE Select); coding-DNA position 5295, T replaced by C.
Protein change: p.Gly1765=; no amino-acid change (glycine 1765 retained).
Molecular consequence: synonymous variant.
Genome position (GRCh38, 1-based): chr8:99,641,885, T>C. VCF-style: chr8-99641885-T-C. GRCh37 (hg19) VCF-style: chr8-100654113-T-C.
Other names: c.5370T>C, p.Gly1790= (NM_017890.5); c.5295T>C (NM_152564.4).
Identifiers: ClinVar variation 1102725 (VCV001102725.10), dbSNP rs139459037, ClinGen allele CA4823803.